The following is an entry in ClinVar:

ClinVar aggregate classification (germline): Likely benign (1 of 4 stars; one submission).

Submission:

CeGaT Center for Human Genetics Tuebingen
Classification: Likely benign. Last evaluated: 2022-11-01. Review status: criteria provided, single submitter. Criteria: CeGaT Center For Human Genetics Tuebingen Variant Classification Criteria Version 2. Collection method: clinical testing. Allele origin: germline. Affected: yes. Observed: 1 variant allele.
Comment: OPHN1: PM2:Supporting, BP4, BP7

NM_002547.3(OPHN1):c.1554T>G (p.Leu518=)

Gene: OPHN1 (oligophrenin 1; minus strand). Cytogenetic location: Xq12.
Variant type: single nucleotide variant.
Coding change: c.1554T>G on transcript NM_002547.3 (MANE Select); coding-DNA position 1554, T replaced by G.
Protein change: p.Leu518=; no amino-acid change (leucine 518 retained).
Molecular consequence: synonymous variant.
Genome position (GRCh38, 1-based): chrX:68,097,002, A>C on the plus strand (T>G on the coding strand, the complement: OPHN1 is on the minus strand). VCF-style: chrX-68097002-A-C. GRCh37 (hg19) VCF-style: chrX-67316844-A-C.
Identifiers: ClinVar variation 2660780 (VCV002660780.24), dbSNP rs185424105, ClinGen allele CA516973697.